The following is an entry in ClinVar:

ClinVar aggregate classification (germline): Uncertain significance (1 of 4 stars; one submission).

Conditions:
Dilated cardiomyopathy 1AA (CMD1AA). Also called: CARDIOMYOPATHY, DILATED, 1AA, WITH OR WITHOUT LEFT VENTRICULAR NONCOMPACTION; CARDIOMYOPATHY, FAMILIAL HYPERTROPHIC, 23, WITH OR WITHOUT LEFT VENTRICULAR NONCOMPACTION; Cardiomyopathy, dilated, 1AA, with or without LVNC. Identifiers: Orphanet 154, MedGen C2677338, MONDO:0012808, OMIM 612158.
Primary familial hypertrophic cardiomyopathy (HCM). Identifiers: Orphanet 99739, MedGen C0949658, MeSH D024741, MONDO:0024573. Inheritance: Various modes of inheritance.

Submission:

Labcorp Genetics (formerly Invitae), Labcorp
Classification: Uncertain significance for Primary familial hypertrophic cardiomyopathy; Dilated cardiomyopathy 1AA. Last evaluated: 2025-11-05. Review status: criteria provided, single submitter. Criteria: Invitae Variant Classification Sherloc (09022015). Collection method: clinical testing. Allele origin: germline.
Comment: This sequence change replaces arginine, which is basic and polar, with tryptophan, which is neutral and slightly polar, at codon 194 of the ACTN2 protein (p.Arg194Trp). This variant is present in population databases (rs774101763, gnomAD 0.003%). This variant has not been reported in the literature in individuals affected with ACTN2-related conditions. Invitae Evidence Modeling of protein sequence and biophysical properties (such as structural, functional, and spatial information, amino acid conservation, physicochemical variation, residue mobility, and thermodynamic stability) indicates that this missense variant is expected to disrupt ACTN2 protein function with a positive predictive value of 80%. In summary, the available evidence is currently insufficient to determine the role of this variant in disease. Therefore, it has been classified as a Variant of Uncertain Significance.

NM_001103.4(ACTN2):c.580C>T (p.Arg194Trp)

Gene: ACTN2 (actinin alpha 2; plus strand). Cytogenetic location: 1q43.
Variant type: single nucleotide variant.
Coding change: c.580C>T on transcript NM_001103.4 (MANE Select); coding-DNA position 580, C replaced by T.
Protein change: p.Arg194Trp; replaces arginine 194 with tryptophan.
Molecular consequence: missense variant. On other transcripts: 5 prime UTR variant (1).
Genome position (GRCh38, 1-based): chr1:236,727,721, C>T. VCF-style: chr1-236727721-C-T. GRCh37 (hg19) VCF-style: chr1-236891021-C-T.
Other names: c.580C>T, p.Arg194Trp (NM_001278343.2); c.-242C>T (NM_001278344.2); short protein forms R194W.
Identifiers: ClinVar variation 4788519 (VCV004788519.1).